The following is an entry in ClinVar:

NM_000292.3(PHKA2):c.2244T>C (p.Phe748=)

Gene: PHKA2 (phosphorylase kinase regulatory subunit alpha 2; minus strand). Cytogenetic location: Xp22.13.
Variant type: single nucleotide variant.
Coding change: c.2244T>C on transcript NM_000292.3 (MANE Select); coding-DNA position 2244, T replaced by C.
Protein change: p.Phe748=; no amino-acid change (phenylalanine 748 retained).
Molecular consequence: synonymous variant.
Genome position (GRCh38, 1-based): chrX:18,908,917, A>G on the plus strand (T>C on the coding strand, the complement: PHKA2 is on the minus strand). VCF-style: chrX-18908917-A-G. GRCh37 (hg19) VCF-style: chrX-18927035-A-G.
Identifiers: ClinVar variation 3056479 (VCV003056479.3), dbSNP rs143626269, ClinGen allele CA10361683.

ClinVar aggregate classification (germline): Likely benign. Review status: criteria provided, single submitter (1 of 4 stars). 2 submissions from 2 submitters: Likely benign (1). 1 of the submissions does not count toward it. Last evaluated 2025-10-07.

Conditions:
PHKA2-related disorder. Also called: PHKA2-related condition.
Glycogen storage disease IXa1. Also called: Glycogen storage disease 8; LIVER GLYCOGENOSIS, X-LINKED, TYPE I; GLYCOGEN STORAGE DISEASE VIII; GSD VIII. Identifiers: Orphanet 264580, MedGen C3694531, MONDO:0010598, OMIM 306000.

Allele frequency attached by ClinVar (database versions not stated): gnomAD exomes below 0.00001; ExAC 0.00002; gnomAD 0.00006; TOPMed 0.00006; ESP Exome Variant Server 0.00009.
gnomAD v4.1: 11 of 1,208,318 alleles (0.00091%); highest among the groups gnomAD compares: African/African-American, 0.018%; no homozygotes.

Submissions (2):

Labcorp Genetics (formerly Invitae), Labcorp
Classification: Likely benign for Glycogen storage disease IXa1. Last evaluated: 2025-10-07. Review status: criteria provided, single submitter. Criteria: Invitae Variant Classification Sherloc (09022015). Collection method: clinical testing. Allele origin: germline.

PreventionGenetics, part of Exact Sciences
Classification: Likely benign for PHKA2-related condition. Last evaluated: 2024-01-30. Review status: no assertion criteria provided. Collection method: clinical testing. Allele origin: germline. Not counted in ClinVar's aggregate classification.
Comment: This variant is classified as likely benign based on ACMG/AMP sequence variant interpretation guidelines (Richards et al. 2015 PMID: 25741868, with internal and published modifications).